The following is an entry in ClinVar:

ClinVar aggregate classification (germline): Pathogenic (1 of 4 stars; one submission).

Conditions:
Polydactyly, postaxial, type A1. Identifiers: MedGen C4282400, MONDO:0008266, OMIM 174200.

Submission:

Human Molecular Lab, Hazara University
Classification: Pathogenic for Polydactyly, postaxial, type A1. Last evaluated: 2024-10-06. Review status: criteria provided, single submitter. Criteria: ACMG Guidelines, 2015. Collection method: research. Allele origin: germline. Inheritance: Autosomal dominant inheritance. Affected: yes. Observed: 2 heterozygotes. Clinical features observed: post axial polydactyly, Postaxial polydactyly (HP:0100259).
Comment: Based on the segregation study of Pakistani family with three affected individuals affected with post axial polydactyly. The identified variant (c.4564del: p. Ala1522ProfsTer2) was present in a heterozygous state in all affected.

NM_000168.6(GLI3):c.4564del (p.Ala1522fs)

Gene: GLI3 (GLI family zinc finger 3; minus strand). Cytogenetic location: 7p14.1.
Variant type: Deletion.
Coding change: c.4564del on transcript NM_000168.6 (MANE Select); coding-DNA position 4564, one base deleted (G; older notation c.4564delG).
Protein change: p.Ala1522fs; shifts the reading frame from alanine 1522.
Molecular consequence: frameshift variant.
Genome position (GRCh38, 1-based): chr7:41,964,509, C deleted on the plus strand (G on the coding strand, the reverse complement: GLI3 is on the minus strand); the first of 5 consecutive C bases (chr7:41,964,509-41,964,513); deleting any one gives the same sequence. VCF-style (leftmost placement, unchanged base first): chr7-41964508-GC-G. GRCh37 (hg19) VCF-style: chr7-42004106-GC-G.
Other names: p.(A1522profster2); short protein forms A1522fs.
Identifiers: ClinVar variation 3391005 (VCV003391005.3).
Genomic context (GRCh38, chr7:41,964,508, plus strand): 5'-CGAGGCGTGGTGAGGCGGGAGGAGCTATGGGAAAGGTTCTGAATGATACTTGGGCTCAGG[GC>G]CCCCGACATCAGGCTGGAGTGGTCCCCATCGTCTATGATGGCATCGAAGTCAATCTGTAC-3'